The following is an entry in ClinVar:

NM_032217.5(ANKRD17):c.5566G>A (p.Ala1856Thr)

Gene: ANKRD17 (ankyrin repeat domain 17; minus strand). Cytogenetic location: 4q13.3.
Variant type: single nucleotide variant.
Coding change: c.5566G>A on transcript NM_032217.5 (MANE Select); coding-DNA position 5566, G replaced by A.
Protein change: p.Ala1856Thr; replaces alanine 1856 with threonine.
Molecular consequence: missense variant.
Genome position (GRCh38, 1-based): chr4:73,092,062, C>T on the plus strand (G>A on the coding strand, the complement: ANKRD17 is on the minus strand). VCF-style: chr4-73092062-C-T. GRCh37 (hg19) VCF-style: chr4-73957779-C-T.
Other names: c.5227G>A, p.Ala1743Thr (NM_001286771.3); c.5563G>A, p.Ala1855Thr (NM_015574.2); c.4813G>A, p.Ala1605Thr (NM_198889.3); short protein forms A1605T, A1743T, A1855T, A1856T.
Identifiers: ClinVar variation 5020980 (VCV005020980.1).
Genomic context (GRCh38, chr4:73,092,062, plus strand): 5'-CAGGCCTCACATTATTCACTGGGTTCTTAATGGTTTTGTGAGTGGATGCAGAAGAAATTG[C>T]AGGCACAGTGAGTGCTGTGGCAGTTTGAGATGTTGATGACAGAGCTACAGTTGTCATTTT-3'
Protein context (NP_115593.3, residues 1846-1866): SQTATALTVP[Ala1856Thr]ISSASTHKTI

ClinVar aggregate classification (germline): Uncertain significance (1 of 4 stars; one submission).

gnomAD v4.1: 2 of 1,614,180 alleles (0.00012%); highest among the groups gnomAD compares: Non-Finnish European, 0.00017%; no homozygotes.

Submission:

Dasa
Classification: Uncertain significance. Last evaluated: 2025-03-17. Review status: criteria provided, single submitter. Criteria: DASA Assertion Criteria. Collection method: clinical testing. Allele origin: germline.
Comment: NM_032217.5(ANKRD17):c.5566G>A (p.Ala1856Thr) is a missense variant that results in the substitution of alanine with threonine. This variant is rare in population databases. Computational prediction algorithms are consistent with a benign effect. The currently available literature and clinical evidence are not sufficient to establish a definitive association between this variant and the reported condition. Therefore, this variant is classified as a variant of uncertain significance.